The following is an entry in ClinVar:

ClinVar aggregate classification (germline): Likely pathogenic. Review status: criteria provided, single submitter (1 of 4 stars). 2 submissions from 2 submitters: Likely pathogenic (1). 1 of the submissions does not count toward it. Last evaluated 2018-09-06.

Conditions:
Tuberous sclerosis 2 (TSC2). Identifiers: Orphanet 805, MedGen C1860707, MONDO:0013199, OMIM 613254.
Tuberous sclerosis syndrome (TSC). Also called: Tuberous Sclerosis Complex; Tuberous sclerosis. Identifiers: Orphanet 805, MedGen C0041341, MONDO:0001734.

Submissions (2):

Labcorp Genetics (formerly Invitae), Labcorp
Classification: Likely pathogenic for Tuberous sclerosis 2. Last evaluated: 2018-09-06. Review status: criteria provided, single submitter. Criteria: Invitae Variant Classification Sherloc (09022015). Collection method: clinical testing. Allele origin: germline.
Comment: In summary, the currently available evidence indicates that the variant is pathogenic, but additional data are needed to prove that conclusively. Therefore, this variant has been classified as Likely Pathogenic. This sequence change replaces leucine with proline at codon 466 of the TSC2 protein (p.Leu466Pro). The leucine residue is highly conserved and there is a moderate physicochemical difference between leucine and proline. This variant is not present in population databases (ExAC no frequency). ClinVar contains an entry for this variant (Variation ID: 50194). Experimental studies have shown that this missense change results in an unstable protein and impairs protein function in vitro (PMID: 21309039).

Tuberous sclerosis database (TSC2)
No classification provided. Condition: TSC. Review status: no classification provided. Criteria: Tuberous Sclerosis Database Assertion Criteria 2015. Collection method: curation. Allele origin: germline. Affected: yes. Not counted in ClinVar's aggregate classification.

Literature cited by the submitters: PubMed 21309039 (cited by Labcorp Genetics (formerly Invitae), Labcorp).

NM_000548.5(TSC2):c.1397T>C (p.Leu466Pro)

Gene: TSC2 (TSC complex subunit 2; plus strand). Cytogenetic location: 16p13.3.
Variant type: single nucleotide variant.
Coding change: c.1397T>C on transcript NM_000548.5 (MANE Select); coding-DNA position 1397, T replaced by C.
Protein change: p.Leu466Pro; replaces leucine 466 with proline.
Molecular consequence: missense variant.
Genome position (GRCh38, 1-based): chr16:2,063,007, T>C. VCF-style: chr16-2063007-T-C. GRCh37 (hg19) VCF-style: chr16-2113008-T-C.
Other names: c.1397T>C, p.Leu466Pro (NM_001077183.3, NM_001114382.3, NM_001363528.2 and 3 more transcripts); c.1286T>C, p.Leu429Pro (NM_001318827.2); c.1250T>C, p.Leu417Pro (NM_001318829.2); c.797T>C, p.Leu266Pro (NM_001318831.2); c.1430T>C, p.Leu477Pro (NM_001318832.2); short protein forms L466P, L266P, L429P, L417P, L477P.
Identifiers: ClinVar variation 50194 (VCV000050194.8), dbSNP rs45481199, ClinGen allele CA014733.